The following is an entry in ClinVar:

ClinVar aggregate classification (germline): Uncertain significance (1 of 4 stars; one submission).

Submission:

CeGaT Center for Human Genetics Tuebingen
Classification: Uncertain significance. Last evaluated: 2024-11-01. Review status: criteria provided, single submitter. Criteria: CeGaT Center For Human Genetics Tuebingen Variant Classification Criteria Version 2. Collection method: clinical testing. Allele origin: germline. Affected: yes. Observed: 1 variant allele.
Comment: PHF8: PM2:Supporting, BP4

NM_015107.3(PHF8):c.2129+42A>G

Gene: PHF8 (PHD finger protein 8; minus strand). Cytogenetic location: Xp11.22.
Variant type: single nucleotide variant.
Coding change: c.2129+42A>G on transcript NM_015107.3 (MANE Select); 42 bases into the intron after coding-DNA position 2129, A replaced by G.
Molecular consequence: intron variant. On other transcripts: synonymous variant (1).
Genome position (GRCh38, 1-based): chrX:53,985,774, T>C on the plus strand (A>G on the coding strand, the complement: PHF8 is on the minus strand). VCF-style: chrX-53985774-T-C. GRCh37 (hg19) VCF-style: chrX-54012207-T-C.
Other names: c.2049A>G, p.Thr683= (NM_001184898.2); c.2237+42A>G (NM_001184896.1); c.1826+42A>G (NM_001184897.2).
Identifiers: ClinVar variation 3390128 (VCV003390128.14).
Genomic context (GRCh38, chrX:53,985,774, plus strand): 5'-TAGCTCTATAAATATCTACTGATTGGCTGACCTGGCACCTTGGGCGGGAGCGGGGGTTGC[T>C]GTCTGATAGCCTGGAAAGGGGAGATAAAAGCCAGTACTCACGTGAGGGCAGCATAGTCAG-3'